The following is an entry in ClinVar:

ClinVar aggregate classification (germline): Likely pathogenic (1 of 4 stars; one submission).

Conditions:
Ethylmalonic encephalopathy (EE). Also called: EPEMA syndrome; Encephalopathy, petechiae, and ethylmalonic aciduria; Syndrome of encephalopathy, petechiae, and ethylmalonic aciduria. Identifiers: Orphanet 51188, MedGen C1865349, MONDO:0011229, OMIM 602473. Disease mechanism: loss of function.

Submission:

Natera, Inc.
Classification: Likely pathogenic for Ethylmalonic encephalopathy. Last evaluated: 2024-07-23. Review status: criteria provided, single submitter. Criteria: Natera Variant Classification Schema (03/2026). Collection method: clinical testing. Allele origin: germline.
Comment: The c.227-1G>A variant in ETHE1 is a canonical splice acceptor site variant predicted to affect pre-mRNA splicing, which may result in an abnormal transcript and altered protein product. This variant is expected to result in nonsense mediated decay, truncation, or a dysfunctional protein product. This variant is rare in the general population with a frequency below the threshold expected for the associated phenotype(s). Given the available evidence, this variant is classified as Likely Pathogenic.

NM_014297.5(ETHE1):c.227-1G>A

Gene: ETHE1 (ETHE1 persulfide dioxygenase; minus strand). Cytogenetic location: 19q13.31.
Variant type: single nucleotide variant.
Coding change: c.227-1G>A on transcript NM_014297.5 (MANE Select); the canonical splice acceptor site of the intron before coding-DNA position 227, G replaced by A.
Molecular consequence: splice acceptor variant. On other transcripts: intron variant (3).
Genome position (GRCh38, 1-based): chr19:43,526,350, C>T on the plus strand (G>A on the coding strand, the complement: ETHE1 is on the minus strand). VCF-style: chr19-43526350-C-T. GRCh37 (hg19) VCF-style: chr19-44030502-C-T.
Other names: c.6+165G>A (NM_001320868.2); c.227-34G>A (NM_001320867.2); c.81+747G>A (NM_001320869.2).
Identifiers: ClinVar variation 4815656 (VCV004815656.1).